The following is an entry in ClinVar:

NM_001042492.3(NF1):c.289-2005_289-2004del

Gene: NF1 (neurofibromin 1; plus strand). Cytogenetic location: 17q11.2.
Variant type: Deletion.
Coding change: c.289-2005_289-2004del on transcript NM_001042492.3 (MANE Select); 2005 bases into the intron before coding-DNA position 289 through 2004 bases into the intron before coding-DNA position 289, 2 bases deleted (TT; older notation c.289-2005_289-2004delTT).
Molecular consequence: intron variant.
Genome position (GRCh38, 1-based): chr17:31,161,181-31,161,182, TT deleted. VCF-style (leftmost placement, unchanged base first): chr17-31161180-CTT-C. GRCh37 (hg19) VCF-style: chr17-29488198-CTT-C.
Other names: c.289-2005_289-2004del (NM_000267.4, NM_001128147.3).
Identifiers: ClinVar variation 1202479 (VCV001202479.7), dbSNP rs17878965, ClinGen allele CA289323032.

ClinVar aggregate classification (germline): Benign/Likely benign. Review status: criteria provided, multiple submitters, no conflicts (2 of 4 stars). 2 submissions from 2 submitters: Benign (1); Likely benign (1). Last evaluated 2026-02-01.

Allele frequency attached by ClinVar (database versions not stated): gnomAD 0.00374 and 0.00396; TOPMed 0.00392; 1000 Genomes Project 0.00419; 1000 Genomes Project 30x 0.00500.

Submissions (2):

CeGaT Center for Human Genetics Tuebingen
Classification: Benign. Last evaluated: 2026-02-01. Review status: criteria provided, single submitter. Criteria: CeGaT Center For Human Genetics Tuebingen Variant Classification Criteria Version 2. Collection method: clinical testing. Allele origin: germline. Affected: yes. Observed: 1 variant allele.
Comment: NF1: BS1, BS2

GeneDx
Classification: Likely benign. Last evaluated: 2018-07-14. Review status: criteria provided, single submitter. Criteria: GeneDx Variant Classification Process June 2021. Collection method: clinical testing. Allele origin: germline. Affected: yes.